The following is an entry in ClinVar:

ClinVar aggregate classification (germline): Benign (1 of 4 stars; one submission).

Conditions:
Familial adenomatous polyposis 1 (FAP1). Also called: POLYPOSIS, ADENOMATOUS INTESTINAL; FAMILIAL ADENOMATOUS POLYPOSIS 1, ATTENUATED. Identifiers: MedGen C2713442, MONDO:0021056, OMIM 175100. Disease mechanism: loss of function.

Allele frequency attached by ClinVar (database versions not stated): gnomAD exomes below 0.00001.
gnomAD v4.1: 1 of 1,614,086 alleles (0.000062%); highest among the groups gnomAD compares: Non-Finnish European, 0.000085%; no homozygotes.

Submission:

Myriad Genetics, Inc.
Classification: Benign for Familial adenomatous polyposis 1. Last evaluated: 2024-03-26. Review status: criteria provided, single submitter. Criteria: Myriad Autosomal Dominant, Autosomal Recessive and X-Linked Classification Criteria (2023). Collection method: clinical testing. Allele origin: unknown.
Comment: This variant is considered benign. This variant is a silent/synonymous amino acid change and it is not expected to impact splicing.

NM_000038.6(APC):c.4371A>G (p.Ala1457=)

Gene: APC (APC regulator of Wnt signaling pathway; plus strand). Cytogenetic location: 5q22.2.
Variant type: single nucleotide variant.
Coding change: c.4371A>G on transcript NM_000038.6 (MANE Select); coding-DNA position 4371, A replaced by G.
Protein change: p.Ala1457=; no amino-acid change (alanine 1457 retained).
Molecular consequence: synonymous variant. On other transcripts: non-coding transcript variant (2).
Genome position (GRCh38, 1-based): chr5:112,839,965, A>G. VCF-style: chr5-112839965-A-G. GRCh37 (hg19) VCF-style: chr5-112175662-A-G.
Other names: c.4371A>G, p.Ala1457= (NM_001127510.3, NM_001354895.2, NM_001407450.1); c.4317A>G, p.Ala1439= (NM_001127511.3); c.4425A>G, p.Ala1475= (NM_001354896.2, NM_001407447.1, NM_001407448.1 and 1 more transcripts); c.4401A>G, p.Ala1467= (NM_001354897.2); c.4296A>G, p.Ala1432= (NM_001354898.2); c.4287A>G, p.Ala1429= (NM_001354899.2); c.4248A>G, p.Ala1416= (NM_001354900.2); c.4194A>G, p.Ala1398= (NM_001354901.2, NM_001407453.1); and 11 more.
Identifiers: ClinVar variation 3148094 (VCV003148094.1), dbSNP rs2149913050, ClinGen allele CA445964523.